The following is an entry in ClinVar:

ClinVar aggregate classification (germline): Uncertain significance (1 of 4 stars; one submission).

Conditions:
Combined oxidative phosphorylation defect type 27. Also called: Combined oxidative phosphorylation deficiency 27. Identifiers: Orphanet 477774, MedGen C5567608, MONDO:0014728, OMIM 616672.

Allele frequency attached by ClinVar (database versions not stated): TOPMed 0.00002.
gnomAD v4.1: 2 of 1,348,210 alleles (0.00015%); highest among the groups gnomAD compares: African/African-American, 0.0015%; no homozygotes.

Submission:

Labcorp Genetics (formerly Invitae), Labcorp
Classification: Uncertain significance for Combined oxidative phosphorylation defect type 27. Last evaluated: 2021-08-24. Review status: criteria provided, single submitter. Criteria: Invitae Variant Classification Sherloc (09022015). Collection method: clinical testing. Allele origin: germline.
Comment: This sequence change replaces glycine with arginine at codon 9 of the CARS2 protein (p.Gly9Arg). The glycine residue is weakly conserved and there is a moderate physicochemical difference between glycine and arginine. The frequency data for this variant in the population databases is considered unreliable, as metrics indicate insufficient coverage at this position in the ExAC database. This variant has not been reported in the literature in individuals affected with CARS2-related conditions. Algorithms developed to predict the effect of missense changes on protein structure and function output the following: SIFT: "Tolerated"; PolyPhen-2: "Not Available"; Align-GVGD: "Class C0". The arginine amino acid residue is found in multiple mammalian species, which suggests that this missense change does not adversely affect protein function. In summary, the available evidence is currently insufficient to determine the role of this variant in disease. Therefore, it has been classified as a Variant of Uncertain Significance.

NM_024537.4(CARS2):c.25G>C (p.Gly9Arg)

Genes: CARS2 (cysteinyl-tRNA synthetase 2, mitochondrial; minus strand), LOC130010127 (ATAC-STARR-seq lymphoblastoid silent region 5509; plus strand). Cytogenetic location: 13q34.
Variant type: single nucleotide variant.
Coding change: c.25G>C on transcript NM_024537.4 (MANE Select); coding-DNA position 25, G replaced by C.
Protein change: p.Gly9Arg; replaces glycine 9 with arginine.
Molecular consequence: missense variant. On other transcripts: non-coding transcript variant (1), intron variant (1).
Genome position (GRCh38, 1-based): chr13:110,706,069, C>G on the plus strand (G>C on the coding strand, the complement: CARS2 is on the minus strand). VCF-style: chr13-110706069-C-G. GRCh37 (hg19) VCF-style: chr13-111358416-C-G.
Other names: c.25G>C, p.Gly9Arg (NM_001352253.3); c.-776+302G>C (NM_001352252.2); short protein forms G9R.
Identifiers: ClinVar variation 643021 (VCV000643021.6), dbSNP rs1465681823, ClinGen allele CA388743526.